The following is an entry in ClinVar:

NM_000130.5(F5):c.5209-2A>G

Gene: F5 (coagulation factor V; minus strand). Cytogenetic location: 1q24.2.
Variant type: single nucleotide variant.
Coding change: c.5209-2A>G on transcript NM_000130.5 (MANE Select); the canonical splice acceptor site of the intron before coding-DNA position 5209, A replaced by G.
Molecular consequence: splice acceptor variant.
Genome position (GRCh38, 1-based): chr1:169,529,820, T>C on the plus strand (A>G on the coding strand, the complement: F5 is on the minus strand). VCF-style: chr1-169529820-T-C. GRCh37 (hg19) VCF-style: chr1-169499058-T-C.
Identifiers: ClinVar variation 3014190 (VCV003014190.3), dbSNP rs1410859141, ClinGen allele CA343131524.

ClinVar aggregate classification (germline): Likely pathogenic (1 of 4 stars; one submission).

Conditions:
Congenital factor V deficiency. Also called: Hereditary factor V deficiency disease; LABILE FACTOR DEFICIENCY; OWREN PARAHEMOPHILIA; PARAHEMOPHILIA. Identifiers: Orphanet 326, MedGen C0015499, MONDO:0009210, OMIM 227400.

Allele frequency attached by ClinVar (database versions not stated): gnomAD exomes below 0.00001.
gnomAD v4.1: 2 of 1,612,008 alleles (0.00012%); highest among the groups gnomAD compares: Non-Finnish European, 0.00017%; no homozygotes.

Submission:

Labcorp Genetics (formerly Invitae), Labcorp
Classification: Likely pathogenic for Congenital factor V deficiency. Last evaluated: 2022-11-23. Review status: criteria provided, single submitter. Criteria: Invitae Variant Classification Sherloc (09022015). Collection method: clinical testing. Allele origin: germline.
Comment: In summary, the currently available evidence indicates that the variant is pathogenic, but additional data are needed to prove that conclusively. Therefore, this variant has been classified as Likely Pathogenic. Algorithms developed to predict the effect of sequence changes on RNA splicing suggest that this variant may disrupt the consensus splice site. This variant has not been reported in the literature in individuals affected with F5-related conditions. This variant is present in population databases (no rsID available, gnomAD 0.0009%). This sequence change affects an acceptor splice site in intron 15 of the F5 gene. It is expected to disrupt RNA splicing. Variants that disrupt the donor or acceptor splice site typically lead to a loss of protein function (PMID: 16199547), and loss-of-function variants in F5 are known to be pathogenic (PMID: 30924984).

Literature cited by the submitters: PubMed 16199547; PubMed 30924984.